The following is an entry in ClinVar:

ClinVar aggregate classification (germline): Pathogenic. Review status: criteria provided, multiple submitters, no conflicts (2 of 4 stars). 2 submissions from 2 submitters: Pathogenic (2). Last evaluated 2021-04-07.

Conditions:
Familial thoracic aortic aneurysm and aortic dissection (TAAD). Also called: Thoracic aortic aneurysms and dissections. Identifiers: Orphanet 91387, MedGen C4707243, MONDO:0019625.
Marfan syndrome (MFS). Also called: Marfan syndrome type 1; Marfan syndrome, classic; Marfan's syndrome; FBN1-Related Marfan Syndrome; MARFAN SYNDROME, TYPE I. Identifiers: Orphanet 284963, Orphanet 558, MedGen C0024796, MONDO:0007947, OMIM 154700.

Submissions (2):

Ambry Genetics
Classification: Pathogenic for Familial thoracic aortic aneurysm and aortic dissection. Last evaluated: 2021-04-07. Review status: criteria provided, single submitter. Criteria: Ambry Variant Classification Scheme 2023. Collection method: clinical testing. Allele origin: germline.
Comment: The p.E1260* pathogenic mutation (also known as c.3778G>T), located in coding exon 30 of the FBN1 gene, results from a G to T substitution at nucleotide position 3778. This changes the amino acid from a glutamic acid to a stop codon within coding exon 30. This alteration has been detected in cohorts with Marfan syndrome and related phenotypes (Yang H et al. Sci Rep. 2016;6:33002; Schrijver I et al. Am J Hum Genet. 2002;71:223-37; Liu WO et al. Genet Test. 1997;1:237-42). In addition to the clinical data presented in the literature, this alteration is expected to result in loss of function by premature protein truncation or nonsense-mediated mRNA decay. As such, this alteration is interpreted as a disease-causing mutation.

Labcorp Genetics (formerly Invitae), Labcorp
Classification: Pathogenic for Marfan syndrome; Familial thoracic aortic aneurysm and aortic dissection. Last evaluated: 2017-08-06. Review status: criteria provided, single submitter. Criteria: Invitae Variant Classification Sherloc (09022015). Collection method: clinical testing. Allele origin: germline.
Comment: For these reasons, this variant has been classified as Pathogenic. Loss-of-function variants in FBN1 are known to be pathogenic (PMID: 17657824, 19293843). This variant has been reported in several individuals affected with with FBN1-related disease (PMID: 10464652, 27611364, Invitae). This variant is not present in population databases (ExAC no frequency). This sequence change creates a premature translational stop signal (p.Glu1260*) in the FBN1 gene. It is expected to result in an absent or disrupted protein product.

Literature cited by the submitters: PubMed 10464652 (cited by Ambry Genetics and Labcorp Genetics (formerly Invitae), Labcorp); PubMed 12068374 (cited by Ambry Genetics); PubMed 27611364 (cited by Ambry Genetics and Labcorp Genetics (formerly Invitae), Labcorp); PubMed 17657824 (cited by Labcorp Genetics (formerly Invitae), Labcorp); PubMed 19293843 (cited by Labcorp Genetics (formerly Invitae), Labcorp).

NM_000138.5(FBN1):c.3778G>T (p.Glu1260Ter)

Gene: FBN1 (fibrillin 1; minus strand). Cytogenetic location: 15q21.1.
Variant type: single nucleotide variant.
Coding change: c.3778G>T on transcript NM_000138.5 (MANE Select); coding-DNA position 3778, G replaced by T.
Protein change: p.Glu1260Ter; replaces glutamic acid 1260 with a stop codon.
Molecular consequence: nonsense.
Genome position (GRCh38, 1-based): chr15:48,483,878, C>A on the plus strand (G>T on the coding strand, the complement: FBN1 is on the minus strand). VCF-style: chr15-48483878-C-A. GRCh37 (hg19) VCF-style: chr15-48776075-C-A.
Other names: short protein forms E1260*.
Identifiers: ClinVar variation 527164 (VCV000527164.10), dbSNP rs1555398283, ClinGen allele CA392323887.